The following is an entry in ClinVar:

ClinVar aggregate classification (germline): Uncertain significance (1 of 4 stars; one submission).

Conditions:
Mucopolysaccharidosis, MPS-II (MPS2). Also called: Hunter Syndrome; IDURONATE 2-SULFATASE DEFICIENCY; Mucopolysaccharidosis Type II; Mucopolysaccharidosis type 2; Attenuated MPS (subtype; formerly known as mild MPS II); Severe MPS II. Identifiers: Orphanet 580, Orphanet 79388, MedGen C0026705, MONDO:0010674, OMIM 309900.

Submission:

Laboratory of Diagnosis and Therapy of Lysosomal Disorders, University of Padova
Classification: Uncertain significance for Mucopolysaccharidosis, MPS-II. Last evaluated: 2024-06-07. Review status: criteria provided, single submitter. Criteria: ACMG Guidelines, 2015. Collection method: literature only. Allele origin: germline. Observed: 1 variant allele.
Comment: Absent from controls (or at low frequency) in gnomAD database (PM2_Moderate), Missense variant in a gene with a low rate of benign missense variation (PP2_Supporting), Multiple lines of computational evidence support a deleterious effect (PP3_Supporting)

Classification method: ACMG Guidelines [PMID:25741868] with modifications

Literature cited by the submitters: PubMed 32014045.

NM_000202.8(IDS):c.779C>G (p.Pro260Arg)

Genes: IDS (iduronate 2-sulfatase; minus strand), LOC106050102 (IDS recombination region; plus strand). Cytogenetic location: Xq28.
Variant type: single nucleotide variant.
Coding change: c.779C>G on transcript NM_000202.8 (MANE Select); coding-DNA position 779, C replaced by G.
Protein change: p.Pro260Arg; replaces proline 260 with arginine.
Molecular consequence: missense variant. On other transcripts: non-coding transcript variant (1).
Genome position (GRCh38, 1-based): chrX:149,496,446, G>C on the plus strand (C>G on the coding strand, the complement: IDS is on the minus strand). VCF-style: chrX-149496446-G-C. GRCh37 (hg19) VCF-style: chrX-148577977-G-C.
Other names: c.509C>G, p.Pro170Arg (NM_001166550.4); c.779C>G, p.Pro260Arg (NM_006123.5); short protein forms P170R, P260R.
Identifiers: ClinVar variation 3255836 (VCV003255836.2).
Genomic context (GRCh38, chrX:149,496,446, plus strand): 5'-TTTAAGGCTTGGACGTCTTCCCGTTGCCTGATGTCCATCCAGGGGTTGTAGGCCACAGGG[G>C]GTAGGCCATCAGGGACCTCGGGATCGGGGGCCAGGGTGATGTTCTCCAAGGGATACAACT-3'
Protein context (NP_000193.1, residues 250-270): APDPEVPDGL[Pro260Arg]PVAYNPWMDI